The following is an entry in ClinVar:

ClinVar aggregate classification (germline): Uncertain significance (1 of 4 stars; one submission).

Conditions:
Charcot-Marie-Tooth disease type 2. Also called: Charcot-Marie-Tooth type 2. Identifiers: Orphanet 64746, MedGen C0270914, MONDO:0018993.

Allele frequency attached by ClinVar (database versions not stated): gnomAD exomes below 0.00001.
gnomAD v4.1: 5 of 1,614,190 alleles (0.00031%); highest among the groups gnomAD compares: Non-Finnish European, 0.00042%; no homozygotes.

Submission:

Labcorp Genetics (formerly Invitae), Labcorp
Classification: Uncertain significance for Charcot-Marie-Tooth disease type 2. Last evaluated: 2019-09-15. Review status: criteria provided, single submitter. Criteria: Invitae Variant Classification Sherloc (09022015). Collection method: clinical testing. Allele origin: germline.
Comment: This sequence change replaces phenylalanine with cysteine at codon 252 of the BSCL2 protein (p.Phe252Cys). The phenylalanine residue is moderately conserved and there is a large physicochemical difference between phenylalanine and cysteine. This variant is not present in population databases (ExAC no frequency). This variant has not been reported in the literature in individuals with BSCL2-related conditions. Algorithms developed to predict the effect of missense changes on protein structure and function are either unavailable or do not agree on the potential impact of this missense change (SIFT: "Deleterious"; PolyPhen-2: "Benign"; Align-GVGD: "Class C0"). In summary, the available evidence is currently insufficient to determine the role of this variant in disease. Therefore, it has been classified as a Variant of Uncertain Significance.

NM_001122955.4(BSCL2):c.947T>G (p.Phe316Cys)

Genes: BSCL2 (BSCL2 lipid droplet biogenesis associated, seipin; minus strand), HNRNPUL2-BSCL2 (HNRNPUL2-BSCL2 readthrough (NMD candidate); minus strand). Cytogenetic location: 11q12.3.
Variant type: single nucleotide variant.
Coding change: c.947T>G on transcript NM_001122955.4 (MANE Select); coding-DNA position 947, T replaced by G.
Protein change: p.Phe316Cys; replaces phenylalanine 316 with cysteine.
Molecular consequence: missense variant. On other transcripts: non-coding transcript variant (1), intron variant (1).
Genome position (GRCh38, 1-based): chr11:62,691,338, A>C on the plus strand (T>G on the coding strand, the complement: BSCL2 is on the minus strand). VCF-style: chr11-62691338-A-C. GRCh37 (hg19) VCF-style: chr11-62458810-A-C.
Other names: c.947T>G, p.Phe316Cys (NM_001386027.1, NM_001386028.1); c.755T>G, p.Phe252Cys (NM_032667.6); c.672-197T>G (NM_001130702.2); short protein forms F252C, F316C.
Identifiers: ClinVar variation 939542 (VCV000939542.9), dbSNP rs1470975752, ClinGen allele CA380959705.